The following is an entry in ClinVar:

NM_003900.5(SQSTM1):c.698G>C (p.Ser233Thr)

Gene: SQSTM1 (sequestosome 1; plus strand). Cytogenetic location: 5q35.3.
Variant type: single nucleotide variant.
Coding change: c.698G>C on transcript NM_003900.5 (MANE Select); coding-DNA position 698, G replaced by C.
Protein change: p.Ser233Thr; replaces serine 233 with threonine.
Molecular consequence: missense variant.
Genome position (GRCh38, 1-based): chr5:179,825,170, G>C. VCF-style: chr5-179825170-G-C. GRCh37 (hg19) VCF-style: chr5-179252170-G-C.
Other names: c.446G>C, p.Ser149Thr (NM_001142298.2, NM_001142299.2); short protein forms S149T, S233T.
Identifiers: ClinVar variation 1717299 (VCV001717299.5), dbSNP rs2480218853, ClinGen allele CA362446359.
Genomic context (GRCh38, chr5:179,825,170, plus strand): 5'-AAAGATATCTTTATCTTATCTTTGTAAAAATCAAAGCTTCTGGTCCATCGGAGGATCCGA[G>C]TGTGAATTTCCTGAAGAACGTTGGGGAGAGTGTGGCAGCTGCCCTTAGCCCTCTGGGTGA-3'
Protein context (NP_003891.1, residues 223-243): ESASGPSEDP[Ser233Thr]VNFLKNVGES

ClinVar aggregate classification (germline): Uncertain significance (1 of 4 stars; one submission).

Conditions:
Frontotemporal dementia and/or amyotrophic lateral sclerosis 1 (FTDALS1). Also called: C9orf72 Frontotemporal Dementia and/or Amyotrophic Lateral Sclerosis; Frontotemporal dementia with motor neuron disease 1. Identifiers: Orphanet 275872, MedGen C5779877, MONDO:0007105, OMIM 105550.
Paget disease of bone 2, early-onset (PDB2). Also called: Paget disease of bone 2. Identifiers: MedGen C4085251, MONDO:0011183, OMIM 602080.

Submission:

Labcorp Genetics (formerly Invitae), Labcorp
Classification: Uncertain significance for Paget disease of bone 2, early-onset; Frontotemporal dementia and/or amyotrophic lateral sclerosis 1. Last evaluated: 2025-03-31. Review status: criteria provided, single submitter. Criteria: Invitae Variant Classification Sherloc (09022015). Collection method: clinical testing. Allele origin: germline.
Comment: This sequence change replaces serine, which is neutral and polar, with threonine, which is neutral and polar, at codon 233 of the SQSTM1 protein (p.Ser233Thr). This variant is not present in population databases (gnomAD no frequency). This variant has not been reported in the literature in individuals affected with SQSTM1-related conditions. ClinVar contains an entry for this variant (Variation ID: 1717299). Invitae Evidence Modeling of protein sequence and biophysical properties (such as structural, functional, and spatial information, amino acid conservation, physicochemical variation, residue mobility, and thermodynamic stability) indicates that this missense variant is not expected to disrupt SQSTM1 protein function with a negative predictive value of 80%. In summary, the available evidence is currently insufficient to determine the role of this variant in disease. Therefore, it has been classified as a Variant of Uncertain Significance.